The following is an entry in ClinVar:

ClinVar aggregate classification (germline): Pathogenic (1 of 4 stars; one submission).

Conditions:
Inborn genetic diseases. Identifiers: MedGen C0950123, MeSH D030342.

Submission:

Ambry Genetics
Classification: Pathogenic for Inborn genetic diseases. Last evaluated: 2017-06-21. Review status: criteria provided, single submitter. Criteria: Ambry Variant Classification Scheme 2023. Collection method: clinical testing. Allele origin: germline.
Comment: The c.362_363dupGG pathogenic mutation, located in coding exon 3 of the ZEB2 gene, results from a duplication of GG at nucleotide position 362, causing a translational frameshift with a predicted alternate stop codon (p.P122Gfs*15). This alteration is expected to result in loss of function by premature protein truncation or nonsense-mediated mRNA decay. As such, this alteration is interpreted as a disease-causing mutation.

NM_014795.4(ZEB2):c.362_363dup (p.Pro122fs)

Gene: ZEB2 (zinc finger E-box binding homeobox 2; minus strand). Cytogenetic location: 2q22.3.
Variant type: Duplication.
Coding change: c.362_363dup on transcript NM_014795.4 (MANE Select); coding-DNA positions 362 to 363, 2 bases duplicated (GG; older notation c.362_363dupGG).
Protein change: p.Pro122fs; shifts the reading frame from proline 122.
Molecular consequence: frameshift variant. On other transcripts: intron variant (1).
Genome position (GRCh38, 1-based): chr2:144,424,836-144,424,837, CC duplicated on the plus strand (GG on the coding strand, the reverse complement: ZEB2 is on the minus strand); duplicating any 2 consecutive bases within chr2:144,424,836-144,424,839 gives the same sequence; the c. name uses the placement nearest the transcript's 3' end. VCF-style (leftmost placement, unchanged base first): chr2-144424835-G-GCC. GRCh37 (hg19) VCF-style: chr2-145182402-G-GCC.
Other names: c.331+4932_331+4933dup (NM_001171653.2); short protein forms P122fs.
Identifiers: ClinVar variation 1733318 (VCV001733318.2), dbSNP rs2549118540, ClinGen allele CA2580063833.